The following is an entry in ClinVar:

NM_001429.4(EP300):c.4026-8T>C

Gene: EP300 (E1A binding protein p300; plus strand). Cytogenetic location: 22q13.2.
Variant type: single nucleotide variant.
Coding change: c.4026-8T>C on transcript NM_001429.4 (MANE Select); 8 bases into the intron before coding-DNA position 4026, T replaced by C.
Molecular consequence: intron variant.
Genome position (GRCh38, 1-based): chr22:41,168,713, T>C. VCF-style: chr22-41168713-T-C. GRCh37 (hg19) VCF-style: chr22-41564717-T-C.
Other names: c.3948-8T>C (NM_001362843.2).
Identifiers: ClinVar variation 3356833 (VCV003356833.1).

ClinVar aggregate classification (germline): Likely benign (0 of 4 stars; one submission).

Conditions:
EP300-related disorder. Also called: EP300-related disorders; EP300-related condition.

gnomAD v4.1: 2 of 1,614,112 alleles (0.00012%); highest among the groups gnomAD compares: African/African-American, 0.0027%; no homozygotes.

Submission:

PreventionGenetics, part of Exact Sciences
Classification: Likely benign for EP300-related condition. Last evaluated: 2023-04-13. Review status: no assertion criteria provided. Collection method: clinical testing. Allele origin: germline.
Comment: This variant is classified as likely benign based on ACMG/AMP sequence variant interpretation guidelines (Richards et al. 2015 PMID: 25741868, with internal and published modifications).